The following is an entry in ClinVar:

NM_000059.4(BRCA2):c.4847T>A (p.Leu1616Ter)

Gene: BRCA2 (BRCA2 DNA repair associated; plus strand). Cytogenetic location: 13q13.1.
Variant type: single nucleotide variant.
Coding change: c.4847T>A on transcript NM_000059.4 (MANE Select); coding-DNA position 4847, T replaced by A.
Protein change: p.Leu1616Ter; replaces leucine 1616 with a stop codon.
Molecular consequence: nonsense. On other transcripts: non-coding transcript variant (1), intron variant (2).
Genome position (GRCh38, 1-based): chr13:32,339,202, T>A. VCF-style: chr13-32339202-T-A. GRCh37 (hg19) VCF-style: chr13-32913339-T-A.
Other names: c.4847T>A, p.Leu1616Ter (NM_001406719.1, NM_001406720.1, NM_001432077.1); c.1910-5356T>A (NM_001406721.1); c.425-5356T>A (NM_001406722.1); short protein forms L1616*.
Identifiers: ClinVar variation 3379156 (VCV003379156.1).

ClinVar aggregate classification (germline): Pathogenic (1 of 4 stars; one submission).

Conditions:
Breast-ovarian cancer, familial, susceptibility to, 2 (BROVCA2). Also called: BRCA2 Hereditary Breast and Ovarian Cancer. Identifiers: Orphanet 145, MedGen C2675520, MONDO:0012933, OMIM 612555. Disease mechanism: loss of function.

Submission:

Myriad Genetics, Inc.
Classification: Pathogenic for Breast-ovarian cancer, familial, susceptibility to, 2. Last evaluated: 2024-07-12. Review status: criteria provided, single submitter. Criteria: Myriad Autosomal Dominant, Autosomal Recessive and X-Linked Classification Criteria (2023). Collection method: clinical testing. Allele origin: unknown.
Comment: This variant is considered pathogenic. This variant creates a termination codon and is predicted to result in premature protein truncation.